The following is an entry in ClinVar:

ClinVar aggregate classification (germline): Likely benign (0 of 4 stars; one submission).

Conditions:
AMPD3-related disorder. Also called: AMPD3-related condition.

Allele frequency attached by ClinVar (database versions not stated): ExAC 0.00099; 1000 Genomes Project 30x 0.00297; ESP Exome Variant Server 0.00329; 1000 Genomes Project 0.00359.

Submission:

PreventionGenetics, part of Exact Sciences
Classification: Likely benign for AMPD3-related condition. Last evaluated: 2021-01-04. Review status: no assertion criteria provided. Collection method: clinical testing. Allele origin: germline.
Comment: This variant is classified as likely benign based on ACMG/AMP sequence variant interpretation guidelines (Richards et al. 2015 PMID: 25741868, with internal and published modifications).

NM_001025389.2(AMPD3):c.-6+944G>T

Gene: AMPD3 (adenosine monophosphate deaminase 3; plus strand). Cytogenetic location: 11p15.4.
Variant type: single nucleotide variant.
Coding change: c.-6+944G>T on transcript NM_001025389.2 (MANE Select); 944 bases into the intron after 6 bases upstream of the start codon, G replaced by T.
Molecular consequence: intron variant. On other transcripts: missense variant (1).
Genome position (GRCh38, 1-based): chr11:10,456,392, G>T. VCF-style: chr11-10456392-G-T. GRCh37 (hg19) VCF-style: chr11-10477939-G-T.
Other names: c.6G>T, p.Glu2Asp (NM_001025390.2); c.-277-5123G>T (NM_001172431.2); c.23-5123G>T (NM_000480.3); short protein forms E2D.
Identifiers: ClinVar variation 3035621 (VCV003035621.2), dbSNP rs139421685, ClinGen allele CA5882478.
Genomic context (GRCh38, chr11:10,456,392, plus strand): 5'-GGCAGGCAGCACCTCACCCGGGTGCATCACTTGAGTGGCATCTTCAGGACCAGTCATGGA[G>T]CCAGGCTCAGGTCTGTGTCGGGGCTTCTGCAAGGGGAGTCTGGCAAGAGTAGGAACCAGC-3'